The following is an entry in ClinVar:

NM_052947.4(ALPK2):c.195G>T (p.Glu65Asp)

Gene: ALPK2 (alpha kinase 2; minus strand). Cytogenetic location: 18q21.32.
Variant type: single nucleotide variant.
Coding change: c.195G>T on transcript NM_052947.4 (MANE Select); coding-DNA position 195, G replaced by T.
Protein change: p.Glu65Asp; replaces glutamic acid 65 with aspartic acid.
Molecular consequence: missense variant.
Genome position (GRCh38, 1-based): chr18:58,607,354, C>A on the plus strand (G>T on the coding strand, the complement: ALPK2 is on the minus strand). VCF-style: chr18-58607354-C-A. GRCh37 (hg19) VCF-style: chr18-56274586-C-A.
Other names: short protein forms E65D.
Identifiers: ClinVar variation 3531376 (VCV003531376.1).
Genomic context (GRCh38, chr18:58,607,354, plus strand): 5'-AACAGTCCACAGGGGTATAGCCACTTACCAAGAGAGATGTAACACATGAATATACTGATT[C>A]TCAAAGAATTCATAGTTGGAAATAATGCCACTCCCATCGATGGCCTGACCATTCTTATAC-3'
Protein context (NP_443179.3, residues 55-75): SGIISNYEFF[Glu65Asp]NQYIHVLHLS

ClinVar aggregate classification (germline): Uncertain significance (1 of 4 stars; one submission).

Submission:

Ambry Genetics
Classification: Uncertain significance. Last evaluated: 2024-09-02. Review status: criteria provided, single submitter. Criteria: Ambry Variant Classification Scheme 2023. Collection method: clinical testing. Allele origin: germline.
Comment: The p.E65D variant (also known as c.195G>T), located in coding exon 2 of the ALPK2 gene, results from a G to T substitution at nucleotide position 195. The glutamic acid at codon 65 is replaced by aspartic acid, an amino acid with highly similar properties. This amino acid position is conserved. In addition, this alteration is predicted to be tolerated by in silico analysis. Based on the available evidence, the clinical significance of this variant remains unclear.